The following is an entry in ClinVar:

ClinVar aggregate classification (germline): Pathogenic (1 of 4 stars; one submission).

Submission:

CeGaT Center for Human Genetics Tuebingen
Classification: Pathogenic. Last evaluated: 2023-04-01. Review status: criteria provided, single submitter. Criteria: CeGaT Center For Human Genetics Tuebingen Variant Classification Criteria Version 2. Collection method: clinical testing. Allele origin: germline. Affected: yes. Observed: 1 variant allele.
Comment: ZEB2: PVS1, PS2, PM2

NM_014795.4(ZEB2):c.1408dup (p.Thr470fs)

Gene: ZEB2 (zinc finger E-box binding homeobox 2; minus strand). Cytogenetic location: 2q22.3.
Variant type: Duplication.
Coding change: c.1408dup on transcript NM_014795.4 (MANE Select); coding-DNA position 1408, one base duplicated (A; older notation c.1408dupA).
Protein change: p.Thr470fs; shifts the reading frame from threonine 470.
Molecular consequence: frameshift variant.
Genome position (GRCh38, 1-based): chr2:144,399,779, T duplicated on the plus strand (A on the coding strand, the reverse complement: ZEB2 is on the minus strand). VCF-style (leftmost placement, unchanged base first): chr2-144399778-G-GT. GRCh37 (hg19) VCF-style: chr2-145157345-G-GT.
Other names: c.1336dup, p.Thr446fs (NM_001171653.2); short protein forms T446fs, T470fs.
Identifiers: ClinVar variation 2571084 (VCV002571084.27), dbSNP rs2549106853, ClinGen allele CA2580612957.